The following is an entry in ClinVar:

ClinVar aggregate classification (germline): Uncertain significance (1 of 4 stars; one submission).

Conditions:
Charcot-Marie-Tooth disease dominant intermediate F. Identifiers: Orphanet 352670, MedGen C4749463, MONDO:0014074, OMIM 615185.

Allele frequency attached by ClinVar (database versions not stated): gnomAD exomes below 0.00001.
gnomAD v4.1: 4 of 1,612,618 alleles (0.00025%); highest among the groups gnomAD compares: Non-Finnish European, 0.00025%; no homozygotes.

Submission:

Labcorp Genetics (formerly Invitae), Labcorp
Classification: Uncertain significance for Charcot-Marie-Tooth disease dominant intermediate F. Last evaluated: 2019-11-21. Review status: criteria provided, single submitter. Criteria: Invitae Variant Classification Sherloc (09022015). Collection method: clinical testing. Allele origin: germline.
Comment: In summary, the available evidence is currently insufficient to determine the role of this variant in disease. Therefore, it has been classified as a Variant of Uncertain Significance. The current clinical and genetic evidence is not sufficient to establish whether loss-of-function variants in GNB4 cause disease. This variant has not been reported in the literature in individuals with GNB4-related conditions. This variant is not present in population databases (ExAC no frequency). This sequence change creates a premature translational stop signal (p.Arg46*) in the GNB4 gene. It is expected to result in an absent or disrupted protein product.

NM_021629.4(GNB4):c.136C>T (p.Arg46Ter)

Gene: GNB4 (G protein subunit beta 4; minus strand). Cytogenetic location: 3q26.33.
Variant type: single nucleotide variant.
Coding change: c.136C>T on transcript NM_021629.4 (MANE Select); coding-DNA position 136, C replaced by T.
Protein change: p.Arg46Ter; replaces arginine 46 with a stop codon.
Molecular consequence: nonsense.
Genome position (GRCh38, 1-based): chr3:179,419,466, G>A on the plus strand (C>T on the coding strand, the complement: GNB4 is on the minus strand). VCF-style: chr3-179419466-G-A. GRCh37 (hg19) VCF-style: chr3-179137254-G-A.
Other names: short protein forms R46*.
Identifiers: ClinVar variation 843857 (VCV000843857.7), dbSNP rs1252790676, ClinGen allele CA355471113.